The following is an entry in ClinVar:

NM_002617.4(PEX10):c.311delinsGCATCCCGT (p.Tyr104fs)

Gene: PEX10 (peroxisomal biogenesis factor 10; minus strand). Cytogenetic location: 1p36.32.
Variant type: Indel.
Coding change: c.311delinsGCATCCCGT on transcript NM_002617.4 (MANE Select); coding-DNA position 311, A replaced by GCATCCCGT.
Protein change: p.Tyr104fs; shifts the reading frame from tyrosine 104.
Molecular consequence: frameshift variant. On other transcripts: 5 prime UTR variant (2), non-coding transcript variant (1).
Genome position (GRCh38, 1-based): chr1:2,408,741, T replaced by ACGGGATGC on the plus strand (A replaced by GCATCCCGT on the coding strand, the reverse complement: PEX10 is on the minus strand). VCF-style: chr1-2408741-T-ACGGGATGC. GRCh37 (hg19) VCF-style: chr1-2340180-T-ACGGGATGC.
Other names: c.311delinsGCATCCCGT, p.Tyr104fs (NM_001374425.1, NM_153818.2); c.-122delinsGCATCCCGT (NM_001374426.1, NM_001374427.1); short protein forms Y104fs.
Identifiers: ClinVar variation 5013887 (VCV005013887.1).

ClinVar aggregate classification (germline): Pathogenic (1 of 4 stars; one submission).

Conditions:
Peroxisome biogenesis disorder. Identifiers: Orphanet 79189, MedGen C1832200, MONDO:0019234. Disease mechanism: loss of function.

Submission:

Myriad Genetics, Inc.
Classification: Pathogenic for Peroxisome biogenesis disorder. Last evaluated: 2024-12-22. Review status: criteria provided, single submitter. Criteria: Myriad Autosomal Dominant, Autosomal Recessive and X-Linked Classification Criteria (2023). Collection method: clinical testing. Allele origin: unknown.
Comment: NM_153818.1(PEX10):c.311del1ins9(Y104Cfs*52) is expected to be pathogenic in the context of peroxisome biogenesis disorder type 6. This variant is predicted to lead to an abnormal or absent protein product due to the creation of a premature termination codon in PEX10, a gene where loss-of-function variants are known to be pathogenic. Please note: this variant was assessed in the context of healthy population screening.